The following is an entry in ClinVar:

ClinVar aggregate classification (germline): Uncertain significance (1 of 4 stars; one submission).

Conditions:
Menkes kinky-hair syndrome (MNK). Also called: Classic Menkes Disease; Copper transport disease; Menkes Disease. Identifiers: Orphanet 565, MedGen C0022716, MONDO:0010651, OMIM 309400.
X-linked distal spinal muscular atrophy type 3. Also called: NEURONOPATHY, DISTAL HEREDITARY MOTOR, X-LINKED; NEUROPATHY, DISTAL HEREDITARY MOTOR, X-LINKED; ATP7A-Related Distal Motor Neuropathy; SPINAL MUSCULAR ATROPHY, DISTAL, X-LINKED RECESSIVE. Identifiers: Orphanet 139557, MedGen C1845359, MONDO:0010338, OMIM 300489.
Cutis laxa, X-linked (OHS). Also called: EDS IX; Occipital horn syndrome. Identifiers: Orphanet 198, MedGen C0268353, MONDO:0010572, OMIM 304150.

gnomAD v4.1: 2 of 1,211,650 alleles (0.00017%); highest among the groups gnomAD compares: Admixed American, 0.0043%; no homozygotes.

Submission:

Labcorp Genetics (formerly Invitae), Labcorp
Classification: Uncertain significance for X-linked distal spinal muscular atrophy type 3; Cutis laxa, X-linked; Menkes kinky-hair syndrome. Last evaluated: 2022-07-19. Review status: criteria provided, single submitter. Criteria: Invitae Variant Classification Sherloc (09022015). Collection method: clinical testing. Allele origin: germline.
Comment: In summary, the available evidence is currently insufficient to determine the role of this variant in disease. Therefore, it has been classified as a Variant of Uncertain Significance. Advanced modeling of protein sequence and biophysical properties (such as structural, functional, and spatial information, amino acid conservation, physicochemical variation, residue mobility, and thermodynamic stability) performed at Invitae indicates that this missense variant is not expected to disrupt ATP7A protein function. This variant has not been reported in the literature in individuals affected with ATP7A-related conditions. This variant is present in population databases (rs782688596, gnomAD 0.004%). This sequence change replaces valine, which is neutral and non-polar, with leucine, which is neutral and non-polar, at codon 125 of the ATP7A protein (p.Val125Leu).

NM_000052.7(ATP7A):c.373G>C (p.Val125Leu)

Gene: ATP7A (ATPase copper transporting alpha; plus strand). Cytogenetic location: Xq21.1.
Variant type: single nucleotide variant.
Coding change: c.373G>C on transcript NM_000052.7 (MANE Select); coding-DNA position 373, G replaced by C.
Protein change: p.Val125Leu; replaces valine 125 with leucine.
Molecular consequence: missense variant.
Genome position (GRCh38, 1-based): chrX:77,988,494, G>C. VCF-style: chrX-77988494-G-C. GRCh37 (hg19) VCF-style: chrX-77243990-G-C.
Other names: c.373G>C, p.Val125Leu (NM_001282224.2); short protein forms V125L.
Identifiers: ClinVar variation 1968424 (VCV001968424.5), dbSNP rs782688596, ClinGen allele CA10458913.